The following is an entry in ClinVar:

ClinVar aggregate classification (germline): Likely pathogenic (1 of 4 stars; one submission).

Conditions:
Charcot-Marie-Tooth disease axonal type 2Z. Also called: CHARCOT-MARIE-TOOTH DISEASE, AXONAL, AUTOSOMAL DOMINANT, TYPE 2Z; CHARCOT-MARIE-TOOTH NEUROPATHY, TYPE 2Z. Identifiers: Orphanet 466768, MedGen C5569025, MONDO:0014736, OMIM 616688.

Submission:

Labcorp Genetics (formerly Invitae), Labcorp
Classification: Likely pathogenic for Charcot-Marie-Tooth disease axonal type 2Z. Last evaluated: 2023-03-13. Review status: criteria provided, single submitter. Criteria: Invitae Variant Classification Sherloc (09022015). Collection method: clinical testing. Allele origin: germline.
Comment: In summary, the currently available evidence indicates that the variant is pathogenic, but additional data are needed to prove that conclusively. Therefore, this variant has been classified as Likely Pathogenic. This sequence change replaces arginine, which is basic and polar, with serine, which is neutral and polar, at codon 266 of the MORC2 protein (p.Arg266Ser). Experimental studies have shown that this missense change affects MORC2 function (PMID: 32693025). Advanced modeling of protein sequence and biophysical properties (such as structural, functional, and spatial information, amino acid conservation, physicochemical variation, residue mobility, and thermodynamic stability) has been performed at Invitae for this missense variant, however the output from this modeling did not meet the statistical confidence thresholds required to predict the impact of this variant on MORC2 protein function. ClinVar contains an entry for this variant (Variation ID: 659166). This missense change has been observed in individual(s) with clinical features of MORC2-related conditions (PMID: 32693025). In at least one individual the variant was observed to be de novo. This variant is not present in population databases (gnomAD no frequency).

Literature cited by the submitters: PubMed 32693025.

NM_001303256.3(MORC2):c.798G>T (p.Arg266Ser)

Gene: MORC2 (MORC family CW-type zinc finger 2; minus strand). Cytogenetic location: 22q12.2.
Variant type: single nucleotide variant.
Coding change: c.798G>T on transcript NM_001303256.3 (MANE Select); coding-DNA position 798, G replaced by T.
Protein change: p.Arg266Ser; replaces arginine 266 with serine.
Molecular consequence: missense variant.
Genome position (GRCh38, 1-based): chr22:30,941,459, C>A on the plus strand (G>T on the coding strand, the complement: MORC2 is on the minus strand). VCF-style: chr22-30941459-C-A. GRCh37 (hg19) VCF-style: chr22-31337446-C-A.
Other names: c.798G>T, p.Arg266Ser (NM_001303257.2); c.612G>T, p.Arg204Ser (NM_014941.3); short protein forms R266S, R204S.
Identifiers: ClinVar variation 659166 (VCV000659166.7), dbSNP rs1064796495, ClinGen allele CA411241151.